The following is an entry in ClinVar:

ClinVar aggregate classification (germline): Uncertain significance (1 of 4 stars; one submission).

gnomAD v4.1: 1 of 160,249 alleles (0.00062%); highest among the groups gnomAD compares: East Asian, 0.0092%; no homozygotes.

Submission:

Greenwood Genetic Center Diagnostic Laboratories, Greenwood Genetic Center
Classification: Uncertain significance. Last evaluated: 2022-02-17. Review status: criteria provided, single submitter. Criteria: ACMG Guidelines, 2015. Collection method: clinical testing. Allele origin: germline. Affected: yes.
Comment: PM2

NM_001015877.2(PHF6):c.*1109C>G

Gene: PHF6 (PHD finger protein 6; plus strand). Cytogenetic location: Xq26.2.
Variant type: single nucleotide variant.
Coding change: c.*1109C>G on transcript NM_001015877.2 (MANE Select); 1109 bases downstream of the stop codon, C replaced by G.
Molecular consequence: 3 prime UTR variant.
Genome position (GRCh38, 1-based): chrX:134,426,769, C>G. VCF-style: chrX-134426769-C-G. GRCh37 (hg19) VCF-style: chrX-133560799-C-G.
Other names: c.*1439C>G (NM_032458.3).
Identifiers: ClinVar variation 1676448 (VCV001676448.3), dbSNP rs1253778092, ClinGen allele CA644549036.